The following is an entry in ClinVar:

NM_001378328.1(CELSR1):c.847_856del (p.Tyr283fs)

Gene: CELSR1 (cadherin EGF LAG seven-pass G-type receptor 1; minus strand). Cytogenetic location: 22q13.31.
Variant type: Deletion.
Coding change: c.847_856del on transcript NM_001378328.1 (MANE Select); coding-DNA positions 847 to 856, 10 bases deleted (TACATGGAGG; older notation c.847_856delTACATGGAGG).
Protein change: p.Tyr283fs; shifts the reading frame from tyrosine 283.
Molecular consequence: frameshift variant.
Genome position (GRCh38, 1-based): chr22:46,536,315-46,536,324, CCTCCATGTA deleted on the plus strand (TACATGGAGG on the coding strand, the reverse complement: CELSR1 is on the minus strand). VCF-style (leftmost placement, unchanged base first): chr22-46536314-CCCTCCATGTA-C. GRCh37 (hg19) VCF-style: chr22-46932211-CCCTCCATGTA-C.
Other names: c.847_856del, p.Tyr283fs (NM_014246.4); short protein forms Y283fs.
Identifiers: ClinVar variation 4077063 (VCV004077063.1).
Genomic context (GRCh38, chr22:46,536,314, plus strand): 5'-CTCACGGCGCCCGTGGCAGAGTCGATTCGGAAGTAGCCCCGGGAGCGCTCGTCGAACAGC[CCCTCCATGTA>C]ATAGCTCACGCGCTCCTCCTCGCCCTCGATGGTGTAGTGCGCGTGCAGCTGGAGGATGAG-3'

ClinVar aggregate classification (germline): Likely pathogenic (1 of 4 stars; one submission).

Conditions:
Lymphatic malformation 9. Identifiers: MedGen C5543365, MONDO:0030270, OMIM 619319.

Submission:

MVZ Medizinische Genetik Mainz
Classification: Likely pathogenic for Lymphatic malformation 9. Last evaluated: 2025-08-03. Review status: criteria provided, single submitter. Criteria: UK Practice Guidelines For Variant Classification V4 01 2020. Collection method: clinical testing. Allele origin: germline. Inheritance: Autosomal dominant inheritance. Affected: yes. Observed: 1 variant allele.
Comment: ACMG Criteria: PVS1,PM2_SUP